The following is an entry in ClinVar:

NM_000381.4(MID1):c.971_978dup (p.Arg327fs)

Gene: MID1 (midline 1; minus strand). Cytogenetic location: Xp22.2.
Variant type: Duplication.
Coding change: c.971_978dup on transcript NM_000381.4 (MANE Select); coding-DNA positions 971 to 978, 8 bases duplicated (ATCATGCG; older notation c.971_978dupATCATGCG).
Protein change: p.Arg327fs; shifts the reading frame from arginine 327.
Molecular consequence: frameshift variant.
Genome position (GRCh38, 1-based): chrX:10,482,515-10,482,522, CGCATGAT duplicated on the plus strand (ATCATGCG on the coding strand, the reverse complement: MID1 is on the minus strand); duplicating any 8 consecutive bases within chrX:10,482,515-10,482,523 gives the same sequence; the c. name uses the placement nearest the transcript's 3' end. VCF-style (leftmost placement, unchanged base first): chrX-10482514-G-GCGCATGAT. GRCh37 (hg19) VCF-style: chrX-10450554-G-GCGCATGAT.
Other names: c.971_978dup, p.Arg327fs (NM_001098624.2, NM_001193277.1, NM_001193279.1 and 2 more transcripts); c.1124_1131dup, p.Arg378fs (NM_001193278.1); c.857_864dup, p.Arg289fs (NM_001193280.1, NM_033289.2); short protein forms R289fs, R327fs, R378fs.
Identifiers: ClinVar variation 1373272 (VCV001373272.6), dbSNP rs2147299274, ClinGen allele CA2573158398.
Genomic context (GRCh38, chrX:10,482,514, plus strand): 5'-AAATTCCCAGGGGCCCCTGCACTCACCTCTCGGTGATATTCTTAGCAGTCTGTAGGAAAC[G>GCGCATGAT]CGCATGATCATTCTCCTTCAGAGAGTGTTCCGCTTGGGAGATGAGTGATGCTGACCGCTC-3'

ClinVar aggregate classification (germline): Pathogenic (1 of 4 stars; one submission).

Submission:

Labcorp Genetics (formerly Invitae), Labcorp
Classification: Pathogenic. Last evaluated: 2021-07-18. Review status: criteria provided, single submitter. Criteria: Invitae Variant Classification Sherloc (09022015). Collection method: clinical testing. Allele origin: germline.
Comment: For these reasons, this variant has been classified as Pathogenic. This variant has not been reported in the literature in individuals affected with MID1-related conditions. This variant is not present in population databases (ExAC no frequency). This sequence change creates a premature translational stop signal (p.Arg327Ilefs*26) in the MID1 gene. It is expected to result in an absent or disrupted protein product. Loss-of-function variants in MID1 are known to be pathogenic (PMID: 15558842, 17221865, 21326312).

Literature cited by the submitters: PubMed 15558842; PubMed 17221865; PubMed 21326312.